The following is an entry in ClinVar:

ClinVar aggregate classification (germline): Likely benign. Review status: criteria provided, multiple submitters, no conflicts (2 of 4 stars). 3 submissions from 3 submitters: Likely benign (3). Last evaluated 2025-03-25.

Conditions:
POLD1-related polyposis and colorectal cancer syndrome (CRCS10). Also called: Colorectal cancer, susceptibility to, 10; Colorectal cancer 10; COLORECTAL CANCER, SUSCEPTIBILITY TO, ON CHROMOSOME 19q. Identifiers: Orphanet 220460, MedGen C2675481, MONDO:0012953, OMIM 612591.

Submissions (3):

Labcorp Genetics (formerly Invitae), Labcorp
Classification: Likely benign for POLD1-related polyposis and colorectal cancer syndrome. Last evaluated: 2025-03-25. Review status: criteria provided, single submitter. Criteria: Invitae Variant Classification Sherloc (09022015). Collection method: clinical testing. Allele origin: germline.

Myriad Genetics, Inc.
Classification: Likely benign for POLD1-related polyposis and colorectal cancer syndrome. Last evaluated: 2025-02-04. Review status: criteria provided, single submitter. Criteria: Myriad Autosomal Dominant, Autosomal Recessive and X-Linked Classification Criteria (2023). Collection method: clinical testing. Allele origin: unknown.
Comment: This variant is considered likely benign. This variant is intronic and is not expected to impact mRNA splicing.

GeneDx
Classification: Likely benign. Last evaluated: 2018-03-19. Review status: criteria provided, single submitter. Criteria: GeneDx Variant Classification (06012015). Collection method: clinical testing. Allele origin: germline. Affected: yes.
Comment: This variant is considered likely benign or benign based on one or more of the following criteria: it is a conservative change, it occurs at a poorly conserved position in the protein, it is predicted to be benign by multiple in silico algorithms, and/or has population frequency not consistent with disease.

NM_002691.4(POLD1):c.841-9T>C

Gene: POLD1 (DNA polymerase delta 1, catalytic subunit; plus strand). Cytogenetic location: 19q13.33.
Variant type: single nucleotide variant.
Coding change: c.841-9T>C on transcript NM_002691.4 (MANE Select); 9 bases into the intron before coding-DNA position 841, T replaced by C.
Molecular consequence: intron variant.
Genome position (GRCh38, 1-based): chr19:50,402,603, T>C. VCF-style: chr19-50402603-T-C. GRCh37 (hg19) VCF-style: chr19-50905860-T-C.
Other names: c.841-9T>C (NM_001256849.1, NM_001308632.1).
Identifiers: ClinVar variation 681100 (VCV000681100.10), dbSNP rs1601202278, ClinGen allele CA915951925.